The following is an entry in ClinVar:

NM_000122.2(ERCC3):c.823G>C (p.Glu275Gln)

Gene: ERCC3 (ERCC excision repair 3, TFIIH core complex helicase subunit; minus strand). Cytogenetic location: 2q14.3.
Variant type: single nucleotide variant.
Coding change: c.823G>C on transcript NM_000122.2 (MANE Select); coding-DNA position 823, G replaced by C.
Protein change: p.Glu275Gln; replaces glutamic acid 275 with glutamine.
Molecular consequence: missense variant.
Genome position (GRCh38, 1-based): chr2:127,288,864, C>G on the plus strand (G>C on the coding strand, the complement: ERCC3 is on the minus strand). VCF-style: chr2-127288864-C-G. GRCh37 (hg19) VCF-style: chr2-128046440-C-G.
Other names: c.631G>C, p.Glu211Gln (NM_001303416.2, NM_001303418.2); short protein forms E275Q, E211Q.
Identifiers: ClinVar variation 1350320 (VCV001350320.8), dbSNP rs1685168934, ClinGen allele CA348390611.

ClinVar aggregate classification (germline): Uncertain significance (1 of 4 stars; one submission).

Submission:

Labcorp Genetics (formerly Invitae), Labcorp
Classification: Uncertain significance. Last evaluated: 2020-11-26. Review status: criteria provided, single submitter. Criteria: Invitae Variant Classification Sherloc (09022015). Collection method: clinical testing. Allele origin: germline.
Comment: This sequence change replaces glutamic acid with glutamine at codon 275 of the ERCC3 protein (p.Glu275Gln). The glutamic acid residue is moderately conserved and there is a small physicochemical difference between glutamic acid and glutamine. This variant is not present in population databases (ExAC no frequency). This variant has not been reported in the literature in individuals with ERCC3-related conditions. Algorithms developed to predict the effect of missense changes on protein structure and function are either unavailable or do not agree on the potential impact of this missense change (SIFT: "Deleterious"; PolyPhen-2: "Benign"; Align-GVGD: "Class C0"). Algorithms developed to predict the effect of sequence changes on RNA splicing suggest that this variant may disrupt the consensus splice site, but this prediction has not been confirmed by published transcriptional studies. In summary, the available evidence is currently insufficient to determine the role of this variant in disease. Therefore, it has been classified as a Variant of Uncertain Significance.